The following is an entry in ClinVar:

ClinVar aggregate classification (germline): Conflicting classifications of pathogenicity. Review status: criteria provided, conflicting classifications (1 of 4 stars). 2 submissions from 2 submitters: Likely pathogenic (1); Uncertain significance (1). Last evaluated 2024-11-06.

Conditions:
Hereditary breast ovarian cancer syndrome. Also called: Hereditary breast and ovarian cancer; Hereditary breast and ovarian cancer syndrome (HBOC); Breast and ovarian cancer; Hereditary breast and/or ovarian cancer syndrome; BRCA1- and BRCA2-Associated Hereditary Breast and Ovarian Cancer; Hereditary breast and ovarian cancer syndrome. Identifiers: Orphanet 145, MedGen C0677776, MeSH D061325, MONDO:0003582. Disease mechanism: loss of function.
Hereditary cancer-predisposing syndrome. Also called: Neoplastic Syndromes, Hereditary; Tumor predisposition; Hereditary Cancer Syndrome; Hereditary neoplastic syndrome. Identifiers: Orphanet 140162, MedGen C0027672, MeSH D009386, MONDO:0015356.

Submissions (3):

Ambry Genetics
Classification: Likely pathogenic for Hereditary cancer-predisposing syndrome. Last evaluated: 2024-11-06. Review status: criteria provided, single submitter. Criteria: Ambry Variant Classification Scheme 2023. Collection method: clinical testing. Allele origin: germline.
Comment: The c.4987-6T>A intronic variant results from a T to A substitution 6 nucleotides upstream from coding exon 15 in the BRCA1 gene. This nucleotide position is highly conserved in available vertebrate species. One functional study found that this nucleotide substitution is non-functional in a high-throughput, genome editing, haploid cell survival assay. (Findlay GM et al. Nature, 2018 10;562:217-222). In silico splice site analysis predicts that this alteration will weaken the native splice acceptor site; however, direct evidence is insufficient at this time (Ambry internal data). This variant is considered to be rare based on population cohorts in the Genome Aggregation Database (gnomAD). Based on the majority of available evidence to date, this variant is likely to be pathogenic.

Labcorp Genetics (formerly Invitae), Labcorp
Classification: Uncertain significance for Hereditary breast ovarian cancer syndrome. Last evaluated: 2024-04-27. Review status: criteria provided, single submitter. Criteria: Invitae Variant Classification Sherloc (09022015). Collection method: clinical testing. Allele origin: germline.
Comment: This sequence change falls in intron 15 of the BRCA1 gene. It does not directly change the encoded amino acid sequence of the BRCA1 protein. This variant is not present in population databases (gnomAD no frequency). This variant has not been reported in the literature in individuals affected with BRCA1-related conditions. ClinVar contains an entry for this variant (Variation ID: 868492). Algorithms developed to predict the effect of sequence changes on RNA splicing suggest that this variant may disrupt the consensus splice site. In summary, the available evidence is currently insufficient to determine the role of this variant in disease. Therefore, it has been classified as a Variant of Uncertain Significance.

Brotman Baty Institute, University of Washington
No classification provided (evidence only). Condition: Breast-ovarian cancer, familial 1. Review status: no classification provided. Collection method: in vitro. Allele origin: not applicable. Functional consequence: functionally_abnormal. Not counted in ClinVar's aggregate classification.
ClinVar note: "not provided" was previously submitted as the classification for the variant. However, the classification appeared to be based only on an observation of functional data so it was converted to no classification on 2025-07-30.

Literature cited by the submitters: PubMed 18424508 (cited by Ambry Genetics); PubMed 23451180 (cited by Ambry Genetics); PubMed 25724305 (cited by Ambry Genetics); PubMed 30209399 (cited by Ambry Genetics).

NM_007294.4(BRCA1):c.4987-6T>A

Gene: BRCA1 (BRCA1 DNA repair associated; minus strand). Cytogenetic location: 17q21.31.
Variant type: single nucleotide variant.
Coding change: c.4987-6T>A on transcript NM_007294.4 (MANE Select); 6 bases into the intron before coding-DNA position 4987, T replaced by A.
Molecular consequence: intron variant.
Genome position (GRCh38, 1-based): chr17:43,067,701, A>T on the plus strand (T>A on the coding strand, the complement: BRCA1 is on the minus strand). VCF-style: chr17-43067701-A-T. GRCh37 (hg19) VCF-style: chr17-41219718-A-T.
Other names: c.4651-6T>A (NM_001407953.1, NM_001407955.1, NM_001407951.1 and 3 more transcripts); c.4654-6T>A (NM_001407949.1, NM_001407946.1, NM_001407948.1 and 1 more transcripts); c.1351-6T>A (NM_001408506.1); c.1465-6T>A (NM_001408481.1, NM_001408490.1, NM_001408489.1 and 5 more transcripts); c.1468-6T>A (NM_001408480.1, NM_001408479.1, NM_001408478.1); c.4774-6T>A (NM_001407909.1, NM_001407906.1, NM_001407899.1 and 12 more transcripts); c.4777-6T>A (NM_001407887.1, NM_001407889.1, NM_001407884.1 and 5 more transcripts); c.1669-6T>A (NM_001408408.1, NM_001408407.1, NM_001408406.1); and 71 more.
Identifiers: ClinVar variation 868492 (VCV000868492.9), dbSNP rs2052193063, ClinGen allele CA916080169.
Genomic context (GRCh38, chr17:43,067,701, plus strand): 5'-TAATTAGATTAGTTAAAGTGATGTGGTGTTTTCTGGCAAACTTGTACACGAGCATCTGAA[A>T]TTAAATCAAATATTCCATTATCATGAGTTACCTCTAGCACACAGCTCAGAATACTAGTTA-3'